The following is an entry in ClinVar:

NM_052867.4(NALCN):c.5080A>G (p.Thr1694Ala)

Genes: NALCN (sodium leak channel, non-selective; minus strand), NALCN-AS1 (NALCN antisense RNA 1; plus strand). Cytogenetic location: 13q32.3.
Variant type: single nucleotide variant.
Coding change: c.5080A>G on transcript NM_052867.4 (MANE Select); coding-DNA position 5080, A replaced by G.
Protein change: p.Thr1694Ala; replaces threonine 1694 with alanine.
Molecular consequence: missense variant. On other transcripts: non-coding transcript variant (1).
Genome position (GRCh38, 1-based): chr13:101,055,432, T>C on the plus strand (A>G on the coding strand, the complement: NALCN is on the minus strand). VCF-style: chr13-101055432-T-C. GRCh37 (hg19) VCF-style: chr13-101707784-T-C.
Other names: c.5167A>G, p.Thr1723Ala (NM_001350748.2); c.5080A>G, p.Thr1694Ala (NM_001350749.2); c.4993A>G, p.Thr1665Ala (NM_001350750.2, NM_001350751.2); short protein forms T1665A, T1694A, T1723A.
Identifiers: ClinVar variation 2837503 (VCV002837503.3), dbSNP rs1432535505, ClinGen allele CA388643137.

ClinVar aggregate classification (germline): Uncertain significance (1 of 4 stars; one submission).

gnomAD v4.1: 1 of 1,614,150 alleles (0.000062%); highest among the groups gnomAD compares: Non-Finnish European, 0.000085%; no homozygotes.

Submission:

Labcorp Genetics (formerly Invitae), Labcorp
Classification: Uncertain significance. Last evaluated: 2024-04-22. Review status: criteria provided, single submitter. Criteria: Invitae Variant Classification Sherloc (09022015). Collection method: clinical testing. Allele origin: germline.
Comment: This sequence change replaces threonine, which is neutral and polar, with alanine, which is neutral and non-polar, at codon 1694 of the NALCN protein (p.Thr1694Ala). This variant is not present in population databases (gnomAD no frequency). This variant has not been reported in the literature in individuals affected with NALCN-related conditions. Advanced modeling of protein sequence and biophysical properties (such as structural, functional, and spatial information, amino acid conservation, physicochemical variation, residue mobility, and thermodynamic stability) performed at Invitae indicates that this missense variant is not expected to disrupt NALCN protein function with a negative predictive value of 80%. Algorithms developed to predict the effect of sequence changes on RNA splicing suggest that this variant may disrupt the consensus splice site. In summary, the available evidence is currently insufficient to determine the role of this variant in disease. Therefore, it has been classified as a Variant of Uncertain Significance.